The following is an entry in ClinVar:

NM_013352.4(DSE):c.2326C>T (p.Arg776Cys)

Gene: DSE (dermatan sulfate epimerase; plus strand). Cytogenetic location: 6q22.1.
Variant type: single nucleotide variant.
Coding change: c.2326C>T on transcript NM_013352.4 (MANE Select); coding-DNA position 2326, C replaced by T.
Protein change: p.Arg776Cys; replaces arginine 776 with cysteine.
Molecular consequence: missense variant. On other transcripts: 3 prime UTR variant (2), non-coding transcript variant (1).
Genome position (GRCh38, 1-based): chr6:116,436,794, C>T. VCF-style: chr6-116436794-C-T. GRCh37 (hg19) VCF-style: chr6-116757957-C-T.
Other names: c.2326C>T, p.Arg776Cys (NM_001080976.3, NM_001322937.2, NM_001322938.2); c.2383C>T, p.Arg795Cys (NM_001322939.2); c.1765C>T, p.Arg589Cys (NM_001322940.2, NM_001322941.2); c.*1191C>T (NM_001322943.2, NM_001322944.2); c.1327C>T, p.Arg443Cys (NM_001374520.1); c.1291C>T, p.Arg431Cys (NM_001374521.1); short protein forms R776C, R795C, R431C, R443C, R589C.
Identifiers: ClinVar variation 1522347 (VCV001522347.6), dbSNP rs752624508, ClinGen allele CA3969793.
Genomic context (GRCh38, chr6:116,436,794, plus strand): 5'-CTGGAGAAGCAGATACTGTCCCGAGTCCGGAACACAGCTAGCTTTAGGAAGACTGCTGAA[C>T]GCCTGCTGAGATTTTCAGATAAGAGACAGACTGAGGAGGCCATTGACAGGATTTTTGCCA-3'
Protein context (NP_037484.1, residues 766-786): NTASFRKTAE[Arg776Cys]LLRFSDKRQT

ClinVar aggregate classification (germline): Uncertain significance. Review status: criteria provided, multiple submitters, no conflicts (2 of 4 stars). 2 submissions from 2 submitters: Uncertain significance (2). Last evaluated 2026-01-05.

Conditions:
Ehlers-Danlos syndrome, musculocontractural type 2 (EDSMC2). Identifiers: Orphanet 2953, MedGen C3809845, MONDO:0014236, OMIM 615539.

Allele frequency attached by ClinVar (database versions not stated): gnomAD 0.00001; gnomAD exomes 0.00001 and 0.00002; ExAC 0.00002; TOPMed 0.00003.
gnomAD v4.1: 15 of 1,614,004 alleles (0.00093%); highest among the groups gnomAD compares: Middle Eastern, 0.016%; no homozygotes.

Submissions (2):

Women's Health and Genetics/Laboratory Corporation of America, LabCorp
Classification: Uncertain significance. Last evaluated: 2026-01-05. Review status: criteria provided, single submitter. Criteria: LabCorp Variant Classification Summary - May 2015. Collection method: clinical testing. Allele origin: germline.
Comment: Variant summary: DSE c.2326C>T (p.Arg776Cys) results in a non-conservative amino acid change in the encoded protein sequence. Algorithms developed to predict the effect of missense changes on protein structure and function are either unavailable or do not agree on the potential impact of this missense change. The variant allele was found at a frequency of 2e-05 in 250922 control chromosomes. The available data on variant occurrences in the general population are insufficient to allow any conclusion about variant significance. To our knowledge, no occurrence of c.2326C>T in individuals affected with DSE-related conditions and no experimental evidence demonstrating its impact on protein function have been reported. ClinVar contains an entry for this variant (Variation ID: 1522347). Based on the evidence outlined above, the variant was classified as uncertain significance.

Labcorp Genetics (formerly Invitae), Labcorp
Classification: Uncertain significance for Ehlers-Danlos syndrome, musculocontractural type 2. Last evaluated: 2024-11-11. Review status: criteria provided, single submitter. Criteria: Invitae Variant Classification Sherloc (09022015). Collection method: clinical testing. Allele origin: germline.
Comment: This sequence change replaces arginine with cysteine at codon 776 of the DSE protein (p.Arg776Cys). The arginine residue is highly conserved and there is a large physicochemical difference between arginine and cysteine. This variant is present in population databases (rs752624508, gnomAD 0.01%). This variant has not been reported in the literature in individuals affected with DSE-related conditions. ClinVar contains an entry for this variant (Variation ID: 1522347). An algorithm developed to predict the effect of missense changes on protein structure and function (PolyPhen-2) suggests that this variant is likely to be disruptive. In summary, the available evidence is currently insufficient to determine the role of this variant in disease. Therefore, it has been classified as a Variant of Uncertain Significance.